The following is an entry in ClinVar:

NM_001127208.3(TET2):c.3317A>G (p.Glu1106Gly)

Genes: TET2 (tet methylcytosine dioxygenase 2; plus strand), TET2-AS1 (TET2 antisense RNA 1; minus strand). Cytogenetic location: 4q24.
Variant type: single nucleotide variant.
Coding change: c.3317A>G on transcript NM_001127208.3 (MANE Select); coding-DNA position 3317, A replaced by G.
Protein change: p.Glu1106Gly; replaces glutamic acid 1106 with glycine.
Molecular consequence: missense variant.
Genome position (GRCh38, 1-based): chr4:105,237,259, A>G. VCF-style: chr4-105237259-A-G. GRCh37 (hg19) VCF-style: chr4-106158416-A-G.
Other names: c.3317A>G, p.Glu1106Gly (NM_017628.4); short protein forms E1106G.
Identifiers: ClinVar variation 3455332 (VCV003455332.1).

ClinVar aggregate classification (germline): Uncertain significance (1 of 4 stars; one submission).

Submission:

Ambry Genetics
Classification: Uncertain significance. Last evaluated: 2024-11-25. Review status: criteria provided, single submitter. Criteria: Ambry Variant Classification Scheme 2023. Collection method: clinical testing. Allele origin: germline.
Comment: The p.E1106G variant (also known as c.3317A>G), located in coding exon 1 of the TET2 gene, results from an A to G substitution at nucleotide position 3317. The glutamic acid at codon 1106 is replaced by glycine, an amino acid with similar properties. This amino acid position is conserved. In addition, the in silico prediction for this alteration is inconclusive. Based on the available evidence, the clinical significance of this variant remains unclear.